The following is an entry in ClinVar:

ClinVar aggregate classification (germline): Uncertain significance (1 of 4 stars; one submission).

Conditions:
Hereditary spastic paraplegia 47. Also called: CEREBRAL PALSY, SPASTIC QUADRIPLEGIC, 5; adaptor protein 4 (AP-4) deficiency syndrome; Spastic paraplegia 47, autosomal recessive. Identifiers: Orphanet 280763, MedGen C3279738, MONDO:0013551, OMIM 614066.

Allele frequency attached by ClinVar (database versions not stated): gnomAD exomes below 0.00001; ExAC 0.00001.
gnomAD v4.1: 2 of 1,613,552 alleles (0.00012%); highest among the groups gnomAD compares: Non-Finnish European, 0.00017%; no homozygotes.

Submission:

Labcorp Genetics (formerly Invitae), Labcorp
Classification: Uncertain significance for Hereditary spastic paraplegia 47. Last evaluated: 2021-02-28. Review status: criteria provided, single submitter. Criteria: Invitae Variant Classification Sherloc (09022015). Collection method: clinical testing. Allele origin: germline.
Comment: In summary, the available evidence is currently insufficient to determine the role of this variant in disease. Therefore, it has been classified as a Variant of Uncertain Significance. Algorithms developed to predict the effect of missense changes on protein structure and function are either unavailable or do not agree on the potential impact of this missense change (SIFT: "Deleterious"; PolyPhen-2: "Probably Damaging"; Align-GVGD: "Class C0"). This variant has not been reported in the literature in individuals with AP4B1-related conditions. This variant is present in population databases (rs752491831, ExAC 0.001%). This sequence change replaces glutamine with lysine at codon 23 of the AP4B1 protein (p.Gln23Lys). The glutamine residue is highly conserved and there is a small physicochemical difference between glutamine and lysine.

NM_001253852.3(AP4B1):c.67C>A (p.Gln23Lys)

Genes: DCLRE1B (DNA cross-link repair 1B; plus strand), AP4B1 (adaptor related protein complex 4 subunit beta 1; minus strand), LOC129931235 (ATAC-STARR-seq lymphoblastoid active region 1540; plus strand). Cytogenetic location: 1p13.2.
Variant type: single nucleotide variant.
Coding change: c.67C>A on transcript NM_001253852.3 (MANE Select); coding-DNA position 67, C replaced by A.
Protein change: p.Gln23Lys; replaces glutamine 23 with lysine.
Molecular consequence: missense variant. On other transcripts: 5 prime UTR variant (2).
Genome position (GRCh38, 1-based): chr1:113,904,651, G>T on the plus strand (C>A on the coding strand, the complement: AP4B1 is on the minus strand). VCF-style: chr1-113904651-G-T. GRCh37 (hg19) VCF-style: chr1-114447273-G-T.
Other names: c.-103C>A (NM_001253853.3); c.67C>A, p.Gln23Lys (NM_001308312.2, NM_001437822.1, NM_001438373.1 and 7 more transcripts); c.-388G>T (NM_001319947.2); short protein forms Q23K.
Identifiers: ClinVar variation 1513336 (VCV001513336.8), dbSNP rs752491831, ClinGen allele CA1016210.